The following is an entry in ClinVar:

ClinVar aggregate classification (germline): Likely pathogenic (1 of 4 stars; one submission).

gnomAD v4.1: 2 of 1,613,832 alleles (0.00012%); highest among the groups gnomAD compares: Non-Finnish European, 0.00017%; no homozygotes.

Submission:

GeneDx
Classification: Likely pathogenic. Last evaluated: 2024-11-27. Review status: criteria provided, single submitter. Criteria: GeneDx Variant Classification Process June 2021. Collection method: clinical testing. Allele origin: germline. Affected: yes.
Comment: Canonical splice site variant predicted to result in an in-frame loss of the adjacent exon in a gene for which loss of function is a known mechanism of disease; Not observed at significant frequency in large population cohorts (gnomAD); Has not been previously published as pathogenic or benign to our knowledge

NM_014956.5(CEP164):c.4096+1G>A

Gene: CEP164 (centrosomal protein 164; plus strand). Cytogenetic location: 11q23.3.
Variant type: single nucleotide variant.
Coding change: c.4096+1G>A on transcript NM_014956.5 (MANE Select); the canonical splice donor site of the intron after coding-DNA position 4096, G replaced by A.
Molecular consequence: splice donor variant.
Genome position (GRCh38, 1-based): chr11:117,409,966, G>A. VCF-style: chr11-117409966-G-A. GRCh37 (hg19) VCF-style: chr11-117280682-G-A.
Other names: c.4081+1G>A (NM_001271933.2).
Identifiers: ClinVar variation 3901607 (VCV003901607.1).